The following is an entry in ClinVar:

ClinVar aggregate classification (germline): Uncertain significance (1 of 4 stars; one submission).

Allele frequency attached by ClinVar (database versions not stated): gnomAD exomes below 0.00001; TOPMed below 0.00001.
gnomAD v4.1: 1 of 1,612,298 alleles (0.000062%); highest among the groups gnomAD compares: African/African-American, 0.0013%; no homozygotes.

Submission:

Labcorp Genetics (formerly Invitae), Labcorp
Classification: Uncertain significance. Last evaluated: 2021-08-18. Review status: criteria provided, single submitter. Criteria: Invitae Variant Classification Sherloc (09022015). Collection method: clinical testing. Allele origin: germline.
Comment: In summary, the available evidence is currently insufficient to determine the role of this variant in disease. Therefore, it has been classified as a Variant of Uncertain Significance. Algorithms developed to predict the effect of missense changes on protein structure and function are either unavailable or do not agree on the potential impact of this missense change (SIFT: "Deleterious"; PolyPhen-2: "Probably Damaging"; Align-GVGD: "Class C0"). This variant has not been reported in the literature in individuals with RHOBTB2-related conditions. This variant is not present in population databases (ExAC no frequency). This sequence change replaces valine with glycine at codon 125 of the RHOBTB2 protein (p.Val125Gly). The valine residue is highly conserved and there is a moderate physicochemical difference between valine and glycine.

NM_015178.3(RHOBTB2):c.308T>G (p.Val103Gly)

Gene: RHOBTB2 (Rho related BTB domain containing 2; plus strand). Cytogenetic location: 8p21.3.
Variant type: single nucleotide variant.
Coding change: c.308T>G on transcript NM_015178.3 (MANE Select); coding-DNA position 308, T replaced by G.
Protein change: p.Val103Gly; replaces valine 103 with glycine.
Molecular consequence: missense variant.
Genome position (GRCh38, 1-based): chr8:23,005,971, T>G. VCF-style: chr8-23005971-T-G. GRCh37 (hg19) VCF-style: chr8-22863484-T-G.
Other names: c.374T>G, p.Val125Gly (NM_001160036.2); c.329T>G, p.Val110Gly (NM_001160037.2); c.308T>G, p.Val103Gly (NM_001374791.1); short protein forms V103G, V125G, V110G.
Identifiers: ClinVar variation 1356559 (VCV001356559.8), dbSNP rs1810936467, ClinGen allele CA370560797.